The following is an entry in ClinVar:

ClinVar aggregate classification (germline): Pathogenic. Review status: criteria provided, multiple submitters, no conflicts (2 of 4 stars). 4 submissions from 4 submitters: Pathogenic (2). 2 of the submissions do not count toward it. Last evaluated 2026-01-20.

Conditions:
Retinal dystrophy. Also called: Inherited retinal dystrophy. Identifiers: Orphanet 71862, MedGen C0854723, MeSH D058499, MONDO:0019118, HP:0000556.
ABCA4-related disorder. Also called: ABCA4-related disorders; ABCA4-related condition. Identifiers: MedGen CN239167.

Submissions (4):

Labcorp Genetics (formerly Invitae), Labcorp
Classification: Pathogenic. Last evaluated: 2026-01-20. Review status: criteria provided, single submitter. Criteria: Invitae Variant Classification Sherloc (09022015). Collection method: clinical testing. Allele origin: germline.
Comment: This sequence change creates a premature translational stop signal (p.Leu1274Serfs*8) in the ABCA4 gene. It is expected to result in an absent or disrupted protein product. Loss-of-function variants in ABCA4 are known to be pathogenic (PMID: 10958761, 24938718, 25312043, 26780318). This variant is not present in population databases (gnomAD no frequency). This premature translational stop signal has been observed in individual(s) with ABCA4-related conditions (PMID: 35120629). ClinVar contains an entry for this variant (Variation ID: 99241). For these reasons, this variant has been classified as Pathogenic.

Blueprint Genetics
Classification: Pathogenic for ABCA4-related disorders. Last evaluated: 2024-09-08. Review status: criteria provided, single submitter. Criteria: ACMG Guidelines, 2015. Collection method: clinical testing. Allele origin: germline. Affected: yes. Observed: 2 variant alleles.

Institute of Human Genetics, Univ. Regensburg, Univ. Regensburg
Classification: Pathogenic for Retinal dystrophy. Last evaluated: 2023-01-01. Review status: no assertion criteria provided. Criteria: ACMG Guidelines, 2015. Collection method: clinical testing. Allele origin: germline. Affected: yes. Not counted in ClinVar's aggregate classification.

Retina International
No classification provided. Review status: no classification provided. Collection method: not provided. Allele origin: not provided. Not counted in ClinVar's aggregate classification.

Literature cited by the submitters: PubMed 10958761 (cited by Labcorp Genetics (formerly Invitae), Labcorp); PubMed 24938718 (cited by Labcorp Genetics (formerly Invitae), Labcorp); PubMed 25312043 (cited by Labcorp Genetics (formerly Invitae), Labcorp); PubMed 26780318 (cited by Labcorp Genetics (formerly Invitae), Labcorp); PubMed 35120629 (cited by Labcorp Genetics (formerly Invitae), Labcorp).

NM_000350.3(ABCA4):c.3819dup (p.Leu1274fs)

Genes: ABCA4 (ATP binding cassette subfamily A member 4; minus strand), LOC126805794 (BRD4-independent group 4 enhancer GRCh37_chr1:94502188-94503387; plus strand). Cytogenetic location: 1p22.1.
Variant type: Duplication.
Coding change: c.3819dup on transcript NM_000350.3 (MANE Select); coding-DNA position 3819, one base duplicated (T; older notation c.3819dupT).
Protein change: p.Leu1274fs; shifts the reading frame from leucine 1274.
Molecular consequence: frameshift variant.
Genome position (GRCh38, 1-based): chr1:94,036,783, A duplicated on the plus strand (T on the coding strand, the reverse complement: ABCA4 is on the minus strand); the first of 5 consecutive A bases (chr1:94,036,783-94,036,787); duplicating any one gives the same sequence. VCF-style (leftmost placement, unchanged base first): chr1-94036782-G-GA. GRCh37 (hg19) VCF-style: chr1-94502338-G-GA.
Other names: c.3593dup, p.Leu1200Serfs (NM_001425324.1); short protein forms L1274fs.
Identifiers: ClinVar variation 99241 (VCV000099241.4), dbSNP rs281865514, ClinGen allele CA227139.